The following is an entry in ClinVar:

ClinVar aggregate classification (germline): Pathogenic (1 of 4 stars; one submission).

Submission:

Ambry Genetics
Classification: Pathogenic. Last evaluated: 2026-08-06. Review status: criteria provided, single submitter. Criteria: Ambry Variant Classification Scheme 2023. Collection method: clinical testing. Allele origin: germline.
Comment: The c.659_676delinsAG (p.R220Qfs*120) alteration, located in exon 7 (coding exon 7) of the GIGYF1 gene, consists of a deletion of 18 and insertion of 2 nucleotides causing a translational frameshift at position 659 with a predicted alternate stop codon after 120 amino acids. This variant is expected to result in loss of function by premature protein truncation or nonsense-mediated mRNA decay. This variant was not reported in population-based cohorts in the Genome Aggregation Database (gnomAD). Based on the available evidence, this alteration is classified as pathogenic.

NM_001375765.1(GIGYF1):c.659_676delinsAG (p.Arg220fs)

Gene: GIGYF1 (GRB10 interacting GYF protein 1; minus strand). Cytogenetic location: 7q22.1.
Variant type: Indel.
Coding change: c.659_676delinsAG on transcript NM_001375765.1 (MANE Select); coding-DNA positions 659 to 676, GGCGAGACGGCGACCGCT replaced by AG.
Protein change: p.Arg220fs; shifts the reading frame from arginine 220.
Molecular consequence: frameshift variant. On other transcripts: non-coding transcript variant (1).
Genome position (GRCh38, 1-based): chr7:100,686,667-100,686,684, AGCGGTCGCCGTCTCGCC replaced by CT on the plus strand (GGCGAGACGGCGACCGCT replaced by AG on the coding strand, the reverse complement: GIGYF1 is on the minus strand). VCF-style: chr7-100686667-AGCGGTCGCCGTCTCGCC-CT. GRCh37 (hg19) VCF-style: chr7-100284290-AGCGGTCGCCGTCTCGCC-CT.
Other names: NM_022574.4:c.659_676delinsAG; c.659_676delinsAG, p.Arg220fs (NM_001375759.1, NM_001375760.1, NM_001375761.1 and 6 more transcripts); short protein forms R220fs.
Identifiers: ClinVar variation 5022417 (VCV005022417.1).